The following is an entry in ClinVar:

ClinVar aggregate classification (germline): Uncertain significance. Review status: criteria provided, multiple submitters, no conflicts (2 of 4 stars). 6 submissions from 6 submitters: Uncertain significance (6). Last evaluated 2026-02-20.

Conditions:
Hereditary cancer-predisposing syndrome. Also called: Neoplastic Syndromes, Hereditary; Tumor predisposition; Hereditary neoplastic syndrome; Hereditary Cancer Syndrome. Identifiers: Orphanet 140162, MedGen C0027672, MeSH D009386, MONDO:0015356.
Neuroblastoma, susceptibility to, 3. Also called: ALK-Related Neuroblastic Tumor Susceptibility. Identifiers: Orphanet 635, MedGen C2751681, MONDO:0013083, OMIM 613014.

Allele frequency attached by ClinVar (database versions not stated): ExAC below 0.00001; gnomAD exomes 0.00006 and 0.00001; gnomAD 0.00003; TOPMed 0.00003.
gnomAD v4.1: 92 of 1,555,342 alleles (0.0059%); highest among the groups gnomAD compares: Non-Finnish European, 0.0076%; no homozygotes.

Submissions (6):

St. Jude Molecular Pathology, St. Jude Children's Research Hospital
Classification: Uncertain significance for Neuroblastoma, susceptibility to, 3. Last evaluated: 2026-02-20. Review status: criteria provided, single submitter. Criteria: St. Jude Assertion Criteria 2020. Collection method: clinical testing. Allele origin: germline.
Comment: The ALK c.298A>G p.(Arg100Gly) missense change has a maximum subpopulation frequency of 0.003% in gnomAD v2.1.1. The in silico tool REVEL predicts a benign effect on protein function, but to ou r knowledge this prediction has not been confirmed by functional studies. To our knowledge, this variant has not been reported in individuals with ALK-related neuroblastic tumor susceptibility. In summary, the evidence currently available is insufficient to determine the clinical significance of this variant. It has therefore been classified as of uncertain significance.

Labcorp Genetics (formerly Invitae), Labcorp
Classification: Uncertain significance for Neuroblastoma, susceptibility to, 3. Last evaluated: 2026-01-27. Review status: criteria provided, single submitter. Criteria: Invitae Variant Classification Sherloc (09022015). Collection method: clinical testing. Allele origin: germline.
Comment: This sequence change replaces arginine, which is basic and polar, with glycine, which is neutral and non-polar, at codon 100 of the ALK protein (p.Arg100Gly). This variant is present in population databases (rs764559656, gnomAD 0.004%). This variant has not been reported in the literature in individuals affected with ALK-related conditions. ClinVar contains an entry for this variant (Variation ID: 470813). An algorithm developed to predict the effect of missense changes on protein structure and function (PolyPhen-2) suggests that this variant is likely to be disruptive. In summary, the available evidence is currently insufficient to determine the role of this variant in disease. Therefore, it has been classified as a Variant of Uncertain Significance.

Ambry Genetics
Classification: Uncertain significance for Hereditary cancer-predisposing syndrome. Last evaluated: 2025-02-02. Review status: criteria provided, single submitter. Criteria: Ambry Variant Classification Scheme 2023. Collection method: clinical testing. Allele origin: germline.

Fulgent Genetics
Classification: Uncertain significance for Neuroblastoma, susceptibility to, 3. Last evaluated: 2024-05-31. Review status: criteria provided, single submitter. Criteria: ACMG Guidelines, 2015. Collection method: clinical testing. Allele origin: germline.

Baylor Genetics
Classification: Uncertain significance for Neuroblastoma, susceptibility to, 3. Last evaluated: 2024-01-17. Review status: criteria provided, single submitter. Criteria: ACMG Guidelines, 2015. Collection method: clinical testing. Allele origin: unknown.

GeneDx
Classification: Uncertain significance. Last evaluated: 2023-07-12. Review status: criteria provided, single submitter. Criteria: GeneDx Variant Classification Process June 2021. Collection method: clinical testing. Allele origin: germline.
Comment: Not observed at significant frequency in large population cohorts (gnomAD); In silico analysis supports that this missense variant does not alter protein structure/function; Has not been previously published as pathogenic or benign to our knowledge

NM_004304.5(ALK):c.298A>G (p.Arg100Gly)

Gene: ALK (ALK receptor tyrosine kinase; minus strand). Cytogenetic location: 2p23.1.
Variant type: single nucleotide variant.
Coding change: c.298A>G on transcript NM_004304.5 (MANE Select); coding-DNA position 298, A replaced by G.
Protein change: p.Arg100Gly; replaces arginine 100 with glycine.
Molecular consequence: missense variant.
Genome position (GRCh38, 1-based): chr2:29,920,362, T>C on the plus strand (A>G on the coding strand, the complement: ALK is on the minus strand). VCF-style: chr2-29920362-T-C. GRCh37 (hg19) VCF-style: chr2-30143228-T-C.
Other names: short protein forms R100G.
Identifiers: ClinVar variation 470813 (VCV000470813.20), dbSNP rs764559656, ClinGen allele CA1595008.